The following is an entry in ClinVar:

ClinVar aggregate classification (germline): Likely benign. Review status: criteria provided, multiple submitters, no conflicts (2 of 4 stars). 3 submissions from 3 submitters: Likely benign (2). 1 of the submissions does not count toward it. Last evaluated 2023-08-01.

Conditions:
TK2-related disorder. Also called: TK2-related condition.

Allele frequency attached by ClinVar (database versions not stated): TOPMed below 0.00001; gnomAD exomes 0.00001.
gnomAD v4.1: 16 of 1,614,208 alleles (0.00099%); highest among the groups gnomAD compares: Admixed American, 0.0017%; no homozygotes.

Submissions (3):

CeGaT Center for Human Genetics Tuebingen
Classification: Likely benign. Last evaluated: 2023-08-01. Review status: criteria provided, single submitter. Criteria: CeGaT Center For Human Genetics Tuebingen Variant Classification Criteria Version 2. Collection method: clinical testing. Allele origin: germline. Affected: yes. Observed: 1 variant allele.
Comment: TK2: BP4, BP7

Blueprint Genetics
Classification: Likely benign. Last evaluated: 2022-07-08. Review status: criteria provided, single submitter. Criteria: ACMG Guidelines, 2015. Collection method: clinical testing. Allele origin: germline.

PreventionGenetics, part of Exact Sciences
Classification: Likely benign for TK2-related condition. Last evaluated: 2021-03-01. Review status: no assertion criteria provided. Collection method: clinical testing. Allele origin: germline. Not counted in ClinVar's aggregate classification.
Comment: This variant is classified as likely benign based on ACMG/AMP sequence variant interpretation guidelines (Richards et al. 2015 PMID: 25741868, with internal and published modifications).

NM_004614.5(TK2):c.372T>C (p.Pro124=)

Gene: TK2 (thymidine kinase 2; minus strand). Cytogenetic location: 16q21.
Variant type: single nucleotide variant.
Coding change: c.372T>C on transcript NM_004614.5 (MANE Select); coding-DNA position 372, T replaced by C.
Protein change: p.Pro124=; no amino-acid change (proline 124 retained).
Molecular consequence: synonymous variant. On other transcripts: non-coding transcript variant (1).
Genome position (GRCh38, 1-based): chr16:66,531,383, A>G on the plus strand (T>C on the coding strand, the complement: TK2 is on the minus strand). VCF-style: chr16-66531383-A-G. GRCh37 (hg19) VCF-style: chr16-66565286-A-G.
Other names: c.372T>C (NM_004614.4); c.279T>C, p.Pro93= (NM_001172643.1, NM_001271935.1); c.297T>C, p.Pro99= (NM_001172644.2); c.318T>C, p.Pro106= (NM_001172645.2); c.225T>C, p.Pro75= (NM_001271934.2); c.81T>C, p.Pro27= (NM_001272050.2).
Identifiers: ClinVar variation 2646600 (VCV002646600.26), dbSNP rs1273809621, ClinGen allele CA495905848.